The following is an entry in ClinVar:

NM_001940.4(ATN1):c.1509_1511dup (p.His504_Gly505insHis)

Genes: ATN1 (atrophin 1; plus strand), LOC109461484 (atrophin 1 repeat instability region; plus strand). Cytogenetic location: 12p13.31.
Variant type: Duplication.
Coding change: c.1509_1511dup on transcript NM_001940.4 (MANE Select); coding-DNA positions 1509 to 1511, 3 bases duplicated (TCA; older notation c.1509_1511dupTCA).
Protein change: p.His504_Gly505insHis.
Molecular consequence: inframe insertion.
Genome position (GRCh38, 1-based): chr12:6,936,776-6,936,778, TCA duplicated; duplicating any 3 consecutive bases within chr12:6,936,774-6,936,778 gives the same sequence; the c. name uses the placement nearest the transcript's 3' end. VCF-style (leftmost placement, unchanged base first): chr12-6936773-G-GCAT. GRCh37 (hg19) VCF-style: chr12-7045936-G-GCAT.
Other names: c.1509_1511dup, p.His504_Gly505insHis (NM_001007026.2).
Identifiers: ClinVar variation 2439319 (VCV002439319.27), dbSNP rs1555143796, ClinGen allele CA6420629.

ClinVar aggregate classification (germline): Conflicting classifications of pathogenicity. Review status: criteria provided, conflicting classifications (1 of 4 stars). 2 submissions from 2 submitters: Uncertain significance (1); Benign (1). Last evaluated 2022-09-01.

Submissions (2):

CeGaT Center for Human Genetics Tuebingen
Classification: Benign. Last evaluated: 2022-09-01. Review status: criteria provided, single submitter. Criteria: CeGaT Center For Human Genetics Tuebingen Variant Classification Criteria Version 2. Collection method: clinical testing. Allele origin: germline. Affected: yes. Observed: 2 variant alleles.
Comment: ATN1: BS1, BS2

Revvity Omics, Revvity
Classification: Uncertain significance. Last evaluated: 2019-08-07. Review status: criteria provided, single submitter. Criteria: ACMG Guidelines, 2015. Collection method: clinical testing. Allele origin: germline.